The following is an entry in ClinVar:

ClinVar aggregate classification (germline): Benign/Likely benign. Review status: criteria provided, multiple submitters, no conflicts (2 of 4 stars). 4 submissions from 4 submitters: Benign (1); Likely benign (2). 1 of the submissions does not count toward it. Last evaluated 2025-04-22.

Conditions:
Genitopatellar syndrome (GTPTS). Also called: Genitopatellar syndrome (GPS); ABSENT PATELLAE, SCROTAL HYPOPLASIA, RENAL ANOMALIES, FACIAL DYSMORPHISM, AND MENTAL RETARDATION. Identifiers: Orphanet 85201, MedGen C1853566, MONDO:0011640, OMIM 606170.
Blepharophimosis - intellectual disability syndrome, SBBYS type (SBBYSS). Also called: Say-Barber-Biesecker variant of Ohdo syndrome (SBBYSS); Say-Barber-Biesecker-Young-Simpson syndrome; Say-Barber-Biesecker-Young-Simpson variant of Ohdo Syndrome; Young Simpson syndrome; Mental retardation unusual facies hypothyroidism; Say-Barber-Biesecker Variant of Ohdo Syndrome. Identifiers: Orphanet 3047, MedGen C1863557, MONDO:0011365, OMIM 603736.
KAT6B-related disorder. Also called: KAT6B-related disorders; KAT6B-related condition.

Allele frequency attached by ClinVar (database versions not stated): gnomAD 0.00004 and 0.00010; TOPMed 0.00004; gnomAD exomes 0.00008 and 0.00024; ExAC 0.00030; 1000 Genomes Project 0.00140; 1000 Genomes Project 30x 0.00156.
gnomAD v4.1: 139 of 1,614,138 alleles (0.0086%); highest among the groups gnomAD compares: South Asian, 0.13%; 4 homozygotes.

Submissions (4):

Labcorp Genetics (formerly Invitae), Labcorp
Classification: Likely benign for Genitopatellar syndrome. Last evaluated: 2025-04-22. Review status: criteria provided, single submitter. Criteria: Invitae Variant Classification Sherloc (09022015). Collection method: clinical testing. Allele origin: germline.

Fulgent Genetics
Classification: Likely benign for Blepharophimosis - intellectual disability syndrome, SBBYS type; Genitopatellar syndrome. Last evaluated: 2021-12-11. Review status: criteria provided, single submitter. Criteria: ACMG Guidelines, 2015. Collection method: clinical testing. Allele origin: unknown.

GeneDx
Classification: Benign. Last evaluated: 2021-02-17. Review status: criteria provided, single submitter. Criteria: GeneDx Variant Classification Process June 2021. Collection method: clinical testing. Allele origin: germline. Affected: yes.

PreventionGenetics, part of Exact Sciences
Classification: Likely benign for KAT6B-related condition. Last evaluated: 2019-04-20. Review status: no assertion criteria provided. Collection method: clinical testing. Allele origin: germline. Not counted in ClinVar's aggregate classification.
Comment: This variant is classified as likely benign based on ACMG/AMP sequence variant interpretation guidelines (Richards et al. 2015 PMID: 25741868, with internal and published modifications).

NM_012330.4(KAT6B):c.6153C>T (p.Pro2051=)

Gene: KAT6B (lysine acetyltransferase 6B; plus strand). Cytogenetic location: 10q22.2.
Variant type: single nucleotide variant.
Coding change: c.6153C>T on transcript NM_012330.4 (MANE Select); coding-DNA position 6153, C replaced by T.
Protein change: p.Pro2051=; no amino-acid change (proline 2051 retained).
Molecular consequence: synonymous variant.
Genome position (GRCh38, 1-based): chr10:75,030,977, C>T. VCF-style: chr10-75030977-C-T. GRCh37 (hg19) VCF-style: chr10-76790735-C-T.
Other names: c.5604C>T, p.Pro1868= (NM_001256468.2, NM_001370138.1); c.5277C>T, p.Pro1759= (NM_001256469.2, NM_001370139.1, NM_001370140.1 and 2 more transcripts); c.5115C>T, p.Pro1705= (NM_001370132.1); c.4464C>T, p.Pro1488= (NM_001370133.1); c.4068C>T, p.Pro1356= (NM_001370134.1); c.3810C>T, p.Pro1270= (NM_001370135.1); c.6153C>T, p.Pro2051= (NM_001370136.1, NM_001370137.1); c.5088C>T, p.Pro1696= (NM_001370143.1, NM_001370144.1).
Identifiers: ClinVar variation 1278386 (VCV001278386.7), dbSNP rs544887456, ClinGen allele CA5565319.